The following is an entry in ClinVar:

NM_001134363.3(RBM20):c.2803A>G (p.Ile935Val)

Gene: RBM20 (RNA binding motif protein 20; plus strand). Cytogenetic location: 10q25.2.
Variant type: single nucleotide variant.
Coding change: c.2803A>G on transcript NM_001134363.3 (MANE Select); coding-DNA position 2803, A replaced by G.
Protein change: p.Ile935Val; replaces isoleucine 935 with valine.
Molecular consequence: missense variant.
Genome position (GRCh38, 1-based): chr10:110,821,422, A>G. VCF-style: chr10-110821422-A-G. GRCh37 (hg19) VCF-style: chr10-112581180-A-G.
Other names: short protein forms I935V.
Identifiers: ClinVar variation 3655944 (VCV003655944.3).

ClinVar aggregate classification (germline): Conflicting classifications of pathogenicity. Review status: criteria provided, conflicting classifications (1 of 4 stars). 2 submissions from 2 submitters: Uncertain significance (1); Likely benign (1). Last evaluated 2025-06-08.

Conditions:
Cardiovascular phenotype. Identifiers: MedGen CN230736.
Dilated cardiomyopathy 1DD (CMD1DD). Identifiers: Orphanet 154, MedGen C2750995, MONDO:0013168, OMIM 613172.

Submissions (2):

Labcorp Genetics (formerly Invitae), Labcorp
Classification: Uncertain significance for Dilated cardiomyopathy 1DD. Last evaluated: 2025-06-08. Review status: criteria provided, single submitter. Criteria: Invitae Variant Classification Sherloc (09022015). Collection method: clinical testing. Allele origin: germline.
Comment: This sequence change replaces isoleucine, which is neutral and non-polar, with valine, which is neutral and non-polar, at codon 935 of the RBM20 protein (p.Ile935Val). This variant is not present in population databases (gnomAD no frequency). This variant has not been reported in the literature in individuals affected with RBM20-related conditions. ClinVar contains an entry for this variant (Variation ID: 3655944). Invitae Evidence Modeling of protein sequence and biophysical properties (such as structural, functional, and spatial information, amino acid conservation, physicochemical variation, residue mobility, and thermodynamic stability) indicates that this missense variant is not expected to disrupt RBM20 protein function with a negative predictive value of 95%. In summary, the available evidence is currently insufficient to determine the role of this variant in disease. Therefore, it has been classified as a Variant of Uncertain Significance.

Ambry Genetics
Classification: Likely benign for Cardiovascular phenotype. Last evaluated: 2025-02-06. Review status: criteria provided, single submitter. Criteria: Ambry Variant Classification Scheme 2023. Collection method: clinical testing. Allele origin: germline.